The following is an entry in ClinVar:

NM_005204.4(MAP3K8):c.269A>G (p.His90Arg)

Gene: MAP3K8 (mitogen-activated protein kinase kinase kinase 8; plus strand). Cytogenetic location: 10p11.23.
Variant type: single nucleotide variant.
Coding change: c.269A>G on transcript NM_005204.4 (MANE Select); coding-DNA position 269, A replaced by G.
Protein change: p.His90Arg; replaces histidine 90 with arginine.
Molecular consequence: missense variant.
Genome position (GRCh38, 1-based): chr10:30,439,207, A>G. VCF-style: chr10-30439207-A-G. GRCh37 (hg19) VCF-style: chr10-30728136-A-G.
Other names: c.269A>G, p.His90Arg (NM_001244134.1, NM_001320961.2); short protein forms H90R.
Identifiers: ClinVar variation 1929120 (VCV001929120.5), dbSNP rs2538538732, ClinGen allele CA376435917.

ClinVar aggregate classification (germline): Uncertain significance (1 of 4 stars; one submission).

Allele frequency attached by ClinVar (database versions not stated): gnomAD exomes below 0.00001.
gnomAD v4.1: 2 of 1,614,240 alleles (0.00012%); highest among the groups gnomAD compares: Admixed American, 0.0017%; no homozygotes.

Submission:

Labcorp Genetics (formerly Invitae), Labcorp
Classification: Uncertain significance. Last evaluated: 2023-12-18. Review status: criteria provided, single submitter. Criteria: Invitae Variant Classification Sherloc (09022015). Collection method: clinical testing. Allele origin: germline.
Comment: This sequence change replaces histidine, which is basic and polar, with arginine, which is basic and polar, at codon 90 of the MAP3K8 protein (p.His90Arg). This variant is not present in population databases (gnomAD no frequency). This variant has not been reported in the literature in individuals affected with MAP3K8-related conditions. ClinVar contains an entry for this variant (Variation ID: 1929120). Algorithms developed to predict the effect of missense changes on protein structure and function output the following: SIFT: "Not Available"; PolyPhen-2: "Benign"; Align-GVGD: "Not Available". The arginine amino acid residue is found in multiple mammalian species, which suggests that this missense change does not adversely affect protein function. In summary, the available evidence is currently insufficient to determine the role of this variant in disease. Therefore, it has been classified as a Variant of Uncertain Significance.